The following is an entry in ClinVar:

ClinVar aggregate classification (germline): Likely benign. Review status: criteria provided, multiple submitters, no conflicts (2 of 4 stars). 3 submissions from 3 submitters: Likely benign (3). Last evaluated 2025-04-11.

Allele frequency attached by ClinVar (database versions not stated): gnomAD 0.00002 and 0.00003; ExAC 0.00003; TOPMed 0.00004; gnomAD exomes 0.00005 and 0.00006; ESP Exome Variant Server 0.00008.
gnomAD v4.1: 81 of 1,613,942 alleles (0.005%); highest among the groups gnomAD compares: Middle Eastern, 0.066%; no homozygotes.

Submissions (3):

Labcorp Genetics (formerly Invitae), Labcorp
Classification: Likely benign. Last evaluated: 2025-04-11. Review status: criteria provided, single submitter. Criteria: Invitae Variant Classification Sherloc (09022015). Collection method: clinical testing. Allele origin: germline.

Blueprint Genetics
Classification: Likely benign. Last evaluated: 2024-09-18. Review status: criteria provided, single submitter. Criteria: ACMG Guidelines, 2015. Collection method: clinical testing. Allele origin: germline.

CeGaT Center for Human Genetics Tuebingen
Classification: Likely benign. Last evaluated: 2022-11-01. Review status: criteria provided, single submitter. Criteria: CeGaT Center For Human Genetics Tuebingen Variant Classification Criteria Version 2. Collection method: clinical testing. Allele origin: germline. Affected: yes. Observed: 1 variant allele.
Comment: VCAN: BP4, BP7

NM_004385.5(VCAN):c.5547T>G (p.Val1849=)

Genes: VCAN (versican; plus strand), VCAN-AS1 (VCAN antisense RNA 1; minus strand). Cytogenetic location: 5q14.3.
Variant type: single nucleotide variant.
Coding change: c.5547T>G on transcript NM_004385.5 (MANE Select); coding-DNA position 5547, T replaced by G.
Protein change: p.Val1849=; no amino-acid change (valine 1849 retained).
Molecular consequence: synonymous variant. On other transcripts: intron variant (2).
Genome position (GRCh38, 1-based): chr5:83,538,550, T>G. VCF-style: chr5-83538550-T-G. GRCh37 (hg19) VCF-style: chr5-82834369-T-G.
Other names: c.2586T>G, p.Val862= (NM_001164097.2); c.4004-6987T>G (NM_001164098.2); c.1043-6987T>G (NM_001126336.3).
Identifiers: ClinVar variation 1115318 (VCV001115318.33), dbSNP rs376657103, ClinGen allele CA3333344.